The following is an entry in ClinVar:

NM_004984.4(KIF5A):c.2909+4A>G

Gene: KIF5A (kinesin family member 5A; plus strand). Cytogenetic location: 12q13.3.
Variant type: single nucleotide variant.
Coding change: c.2909+4A>G on transcript NM_004984.4 (MANE Select); 4 bases into the intron after coding-DNA position 2909, A replaced by G.
Molecular consequence: intron variant.
Genome position (GRCh38, 1-based): chr12:57,581,572, A>G. VCF-style: chr12-57581572-A-G. GRCh37 (hg19) VCF-style: chr12-57975355-A-G.
Other names: c.2642+4A>G (NM_001354705.2).
Identifiers: ClinVar variation 1057337 (VCV001057337.9), dbSNP rs2140171881, ClinGen allele CA2499221767.

ClinVar aggregate classification (germline): Uncertain significance (1 of 4 stars; one submission).

Conditions:
Spastic paraplegia. Identifiers: MedGen C0037772, HP:0001258.

Submission:

Labcorp Genetics (formerly Invitae), Labcorp
Classification: Uncertain significance for Spastic paraplegia. Last evaluated: 2020-10-20. Review status: criteria provided, single submitter. Criteria: Invitae Variant Classification Sherloc (09022015). Collection method: clinical testing. Allele origin: germline.
Comment: This variant is not present in population databases (ExAC no frequency). This sequence change falls in intron 25 of the KIF5A gene. It does not directly change the encoded amino acid sequence of the KIF5A protein. It affects a nucleotide within the consensus splice site of the intron. This variant has been observed in individual(s) with hereditary spastic paraplegia (Invitae). In summary, the available evidence is currently insufficient to determine the role of this variant in disease. Therefore, it has been classified as a Variant of Uncertain Significance. Nucleotide substitutions within the consensus splice site are a relatively common cause of aberrant splicing (PMID: 17576681, 9536098). Algorithms developed to predict the effect of sequence changes on RNA splicing suggest that this variant may disrupt the consensus splice site, but this prediction has not been confirmed by published transcriptional studies.

Literature cited by the submitters: PubMed 17576681; PubMed 9536098.